The following is an entry in ClinVar:

ClinVar aggregate classification (germline): Uncertain significance. Review status: criteria provided, multiple submitters, no conflicts (2 of 4 stars). 2 submissions from 2 submitters: Uncertain significance (2). Last evaluated 2026-07-29.

Conditions:
Inborn genetic diseases. Identifiers: MedGen C0950123, MeSH D030342.

Submissions (2):

Ambry Genetics
Classification: Uncertain significance for Inborn genetic diseases. Last evaluated: 2026-07-29. Review status: criteria provided, single submitter. Criteria: Ambry Variant Classification Scheme 2023. Collection method: clinical testing. Allele origin: germline.

Labcorp Genetics (formerly Invitae), Labcorp
Classification: Uncertain significance. Last evaluated: 2025-01-14. Review status: criteria provided, single submitter. Criteria: Invitae Variant Classification Sherloc (09022015). Collection method: clinical testing. Allele origin: germline.
Comment: This sequence change replaces alanine, which is neutral and non-polar, with glycine, which is neutral and non-polar, at codon 2 of the ABCB7 protein (p.Ala2Gly). This variant is not present in population databases (gnomAD no frequency). This variant has not been reported in the literature in individuals affected with ABCB7-related conditions. An algorithm developed to predict the effect of missense changes on protein structure and function (PolyPhen-2) suggests that this variant is likely to be disruptive. In summary, the available evidence is currently insufficient to determine the role of this variant in disease. Therefore, it has been classified as a Variant of Uncertain Significance.

NM_001271696.3(ABCB7):c.5C>G (p.Ala2Gly)

Genes: ABCB7 (ATP binding cassette subfamily B member 7; minus strand), LOC130068449 (ATAC-STARR-seq lymphoblastoid active region 29770; plus strand). Cytogenetic location: Xq13.3.
Variant type: single nucleotide variant.
Coding change: c.5C>G on transcript NM_001271696.3 (MANE Select); coding-DNA position 5, C replaced by G.
Protein change: p.Ala2Gly; replaces alanine 2 with glycine.
Molecular consequence: missense variant.
Genome position (GRCh38, 1-based): chrX:75,156,268, G>C on the plus strand (C>G on the coding strand, the complement: ABCB7 is on the minus strand). VCF-style: chrX-75156268-G-C. GRCh37 (hg19) VCF-style: chrX-74376103-G-C.
Other names: c.5C>G, p.Ala2Gly (NM_001271697.3, NM_001271698.3, NM_001271699.3 and 1 more transcripts); c.5C>G (NM_004299.3); short protein forms A2G.
Identifiers: ClinVar variation 3681915 (VCV003681915.3).
Genomic context (GRCh38, chrX:75,156,268, plus strand): 5'-CGGCGCTTTTCGAAAGCAGCCGCCGCGGCCGCCCAGCGCCAAGAATGCATCGCGAGCAGC[G>C]CCATCTTGAGCGAGGAAAGAGGAACCGAGAGAAGAGGATTATGGGACACTGGCGGACTGA-3'
Protein context (NP_001258625.1, residues 1-12): M[Ala2Gly]LLAMHSWRWA